The following is an entry in ClinVar:

ClinVar aggregate classification (germline): Benign. Review status: criteria provided, multiple submitters, no conflicts (2 of 4 stars). 5 submissions from 5 submitters: Benign (5). Last evaluated 2026-02-01.

Conditions:
Retinitis pigmentosa 1 (RP1). Identifiers: Orphanet 791, MedGen C0220701, MONDO:0008377, OMIM 180100.
Retinitis pigmentosa (RP). Identifiers: Orphanet 791, MedGen C0035334, MeSH D012174, MONDO:0019200, OMIM 268000. Inheritance: Autosomal dominant, autosomal recessive and X linked inheritance.

Allele frequency attached by ClinVar (database versions not stated): ESP Exome Variant Server 0.03283; gnomAD exomes 0.01519 and 0.01618; ExAC 0.01699; 1000 Genomes Project 0.02336; 1000 Genomes Project 30x 0.02561; gnomAD 0.02944 and 0.03129; TOPMed 0.03180.
gnomAD v4.1: 26,814 of 1,614,118 alleles (1.7%); highest among the groups gnomAD compares: African/African-American, 6.7%; 373 homozygotes.

Submissions (5):

Labcorp Genetics (formerly Invitae), Labcorp
Classification: Benign. Last evaluated: 2026-02-01. Review status: criteria provided, single submitter. Criteria: Invitae Variant Classification Sherloc (09022015). Collection method: clinical testing. Allele origin: germline.

ARUP Laboratories, Molecular Genetics and Genomics, ARUP Laboratories
Classification: Benign for Retinitis pigmentosa 1. Last evaluated: 2023-11-22. Review status: criteria provided, single submitter. Criteria: ARUP Molecular Germline Variant Investigation Process 2024. Collection method: clinical testing. Allele origin: germline.

Illumina Laboratory Services, Illumina
Classification: Benign for Retinitis pigmentosa. Last evaluated: 2018-01-13. Review status: criteria provided, single submitter. Criteria: ICSL Variant Classification Criteria 13 December 2019. Collection method: clinical testing. Allele origin: germline.
Comment: This variant was observed in the ICSL laboratory as part of a predisposition screen in an ostensibly healthy population. It had not been previously curated by ICSL or reported in the Human Gene Mutation Database (HGMD: prior to June 1st, 2018), and was therefore a candidate for classification through an automated scoring system. Utilizing variant allele frequency, disease prevalence and penetrance estimates, and inheritance mode, an automated score was calculated to assess if this variant is too frequent to cause the disease. Based on the score and internal cut-off values, a variant classified as benign is not then subjected to further curation. The score for this variant resulted in a classification of benign for this disease.

Eurofins Ntd Llc (ga)
Classification: Benign. Last evaluated: 2017-07-17. Review status: criteria provided, single submitter. Criteria: EGL Classification Definitions 2015. Collection method: clinical testing. Allele origin: germline. Observed: 1 variant allele, 1 heterozygote.

Breakthrough Genomics
Classification: Benign. Review status: criteria provided, single submitter. Criteria: ACMG Guidelines, 2015. Collection method: not provided. Allele origin: germline. Inheritance: Autosomal dominant inheritance. Affected: yes.

NM_006269.2(RP1):c.3699C>T (p.Ser1233=)

Gene: RP1 (RP1 axonemal microtubule associated; plus strand). Cytogenetic location: 8q12.1.
Variant type: single nucleotide variant.
Coding change: c.3699C>T on transcript NM_006269.2 (MANE Select); coding-DNA position 3699, C replaced by T.
Protein change: p.Ser1233=; no amino-acid change (serine 1233 retained).
Molecular consequence: synonymous variant.
Genome position (GRCh38, 1-based): chr8:54,627,581, C>T. VCF-style: chr8-54627581-C-T. GRCh37 (hg19) VCF-style: chr8-55540141-C-T.
Identifiers: ClinVar variation 363293 (VCV000363293.28), dbSNP rs114557304, ClinGen allele CA4751732.